The following is an entry in ClinVar:

ClinVar aggregate classification (germline): Uncertain significance (1 of 4 stars; one submission).

Allele frequency attached by ClinVar (database versions not stated): gnomAD exomes 0.00001.

Submission:

Labcorp Genetics (formerly Invitae), Labcorp
Classification: Uncertain significance. Last evaluated: 2022-01-27. Review status: criteria provided, single submitter. Criteria: Invitae Variant Classification Sherloc (09022015). Collection method: clinical testing. Allele origin: germline.
Comment: In summary, the available evidence is currently insufficient to determine the role of this variant in disease. Therefore, it has been classified as a Variant of Uncertain Significance. Algorithms developed to predict the effect of missense changes on protein structure and function (SIFT, PolyPhen-2, Align-GVGD) all suggest that this variant is likely to be tolerated. This variant has not been reported in the literature in individuals affected with IRF2BP2-related conditions. The frequency data for this variant in the population databases is considered unreliable, as metrics indicate poor data quality at this position in the gnomAD database. This sequence change replaces asparagine, which is neutral and polar, with aspartic acid, which is acidic and polar, at codon 342 of the IRF2BP2 protein (p.Asn342Asp).

NM_182972.3(IRF2BP2):c.1024A>G (p.Asn342Asp)

Genes: IRF2BP2 (interferon regulatory factor 2 binding protein 2; minus strand), LOC129932810 (ATAC-STARR-seq lymphoblastoid active region 2760; plus strand). Cytogenetic location: 1q42.3.
Variant type: single nucleotide variant.
Coding change: c.1024A>G on transcript NM_182972.3 (MANE Select); coding-DNA position 1024, A replaced by G.
Protein change: p.Asn342Asp; replaces asparagine 342 with aspartic acid.
Molecular consequence: missense variant. On other transcripts: intron variant (1).
Genome position (GRCh38, 1-based): chr1:234,608,471, T>C on the plus strand (A>G on the coding strand, the complement: IRF2BP2 is on the minus strand). VCF-style: chr1-234608471-T-C. GRCh37 (hg19) VCF-style: chr1-234744217-T-C.
Other names: c.1000+24A>G (NM_001077397.1); short protein forms N342D.
Identifiers: ClinVar variation 1897381 (VCV001897381.5), dbSNP rs1395334226, ClinGen allele CA345307226.